The following is an entry in ClinVar:

ClinVar aggregate classification (germline): Pathogenic (1 of 4 stars; one submission).

Conditions:
Cystic fibrosis (CF). Also called: MUCOVISCIDOSIS. Identifiers: Orphanet 586, MedGen C0010674, MONDO:0009061, OMIM 219700. Disease mechanism: loss of function.

Submission:

Women's Health and Genetics/Laboratory Corporation of America, LabCorp
Classification: Pathogenic for Cystic fibrosis. Last evaluated: 2024-06-14. Review status: criteria provided, single submitter. Criteria: LabCorp Variant Classification Summary - May 2015. Collection method: clinical testing. Allele origin: germline.
Comment: Variant summary: The variant involves the deletion of exon 5 in the CFTR gene. A presumed nomenclature of c.(489+1_490-1)_(579+1_580-1)del has been designated for the purposes of this classification. This Copy Number Variant (CNV) is predicted to result in an in-frame deletion within this gene. The variant was absent in 21694 control chromosomes (gnomAD SV database v2). To our knowledge, no occurrence of c.(489+1_490-1)_(579+1_580-1)del in individuals affected with Cystic Fibrosis and no experimental evidence demonstrating its impact on protein function have been reported. At-least one missense variant in exon 5 is associated with disease (c.532G>A p.Gly178Arg, ClinVar Variation ID: 48692). No submitters have cited clinical-significance assessments for this variant to ClinVar. Based on the evidence outlined above, the variant was classified as Pathogenic.

NC_000007.13:g.(117171169_117174329)_(117174420_117175301)del

Gene: CFTR (CF transmembrane conductance regulator; plus strand). Cytogenetic location: 7q31.2.
Variant type: Deletion.
Identifiers: ClinVar variation 2506203 (VCV002506203.2).